The following is an entry in ClinVar:

ClinVar aggregate classification (germline): Uncertain significance (1 of 4 stars; one submission).

Submission:

Labcorp Genetics (formerly Invitae), Labcorp
Classification: Uncertain significance. Last evaluated: 2021-05-18. Review status: criteria provided, single submitter. Criteria: Invitae Variant Classification Sherloc (09022015). Collection method: clinical testing. Allele origin: germline.
Comment: This variant has not been reported in the literature in individuals with SMARCD2-related conditions. In summary, the available evidence is currently insufficient to determine the role of this variant in disease. Therefore, it has been classified as a Variant of Uncertain Significance. Experimental studies and prediction algorithms are not available or were not evaluated, and the functional significance of this variant is currently unknown. The frequency data for this variant in the population databases is considered unreliable, as metrics indicate poor data quality at this position in the ExAC database. This variant, c.1474_1476del, results in the deletion of 1 amino acid(s) of the SMARCD2 protein (p.Glu492del), but otherwise preserves the integrity of the reading frame.

NM_001098426.2(SMARCD2):c.1468GAG[2] (p.Glu492del)

Gene: SMARCD2 (SWI/SNF related BAF chromatin remodeling complex subunit D2; minus strand). Cytogenetic location: 17q23.3.
Variant type: Microsatellite.
Coding change: c.1468GAG[2] on transcript NM_001098426.2 (MANE Select); two copies in a row of the 3-base unit GAG starting at c.1468; the reference has three copies in a row; one copy, 3 bases deleted.
Protein change: p.Glu492del; deletes glutamic acid 492.
Molecular consequence: inframe deletion.
Genome position (GRCh38, 1-based): chr17:63,833,135-63,833,137, CTC deleted on the plus strand (GAG on the coding strand, the reverse complement: SMARCD2 is on the minus strand); deleting any 3 consecutive bases within chr17:63,833,135-63,833,143 gives the same sequence; the position shown is the placement nearest the transcript's 3' end. VCF-style (leftmost placement, unchanged base first): chr17-63833134-TCTC-T. GRCh37 (hg19) VCF-style: chr17-61910494-TCTC-T.
Other names: c.1243GAG[2], p.Glu417del (NM_001330439.1); c.1324GAG[2], p.Glu444del (NM_001330440.2); short protein forms E444del, E492del, E417del.
Identifiers: ClinVar variation 1432805 (VCV001432805.6), dbSNP rs751590969, ClinGen allele CA8706178.